The following is an entry in ClinVar:

ClinVar aggregate classification (germline): Likely pathogenic (1 of 4 stars; one submission).

Conditions:
Nemaline myopathy. Also called: Myopathies, Nemaline. Identifiers: Orphanet 607, MedGen C0206157, MONDO:0018958.

Submission:

Laboratory for Molecular Medicine, Mass General Brigham Personalized Medicine
Classification: Likely pathogenic for Nemaline myopathy. Last evaluated: 2023-02-02. Review status: criteria provided, single submitter. Criteria: ACMG Guidelines, 2015. Collection method: clinical testing. Allele origin: germline.
Comment: The p.Glu4558X in NEB has not been previously reported in individuals with nemaline myopathy and was absent from large population studies. This nonsense variant leads to a premature termination codon at position 4558, which is predicted to lead to a truncated or absent protein. Loss of function of the NEB gene is an established disease mechanism in autosomal recessive nemaline myopathy. In summary, although additional studies are required to fully establish its clinical significance, this variant meets criteria to be classified as likely pathogenic for autosomal recessive nemaline myopathy. ACMG/AMP Criteria applied: PVS1, PM2_Supporting.

NM_001164508.2(NEB):c.13672G>T (p.Glu4558Ter)

Gene: NEB (nebulin; minus strand). Cytogenetic location: 2q23.3.
Variant type: single nucleotide variant.
Coding change: c.13672G>T on transcript NM_001164508.2 (MANE Select); coding-DNA position 13672, G replaced by T.
Protein change: p.Glu4558Ter; replaces glutamic acid 4558 with a stop codon.
Molecular consequence: nonsense. On other transcripts: intron variant (1).
Genome position (GRCh38, 1-based): chr2:151,600,558, C>A on the plus strand (G>T on the coding strand, the complement: NEB is on the minus strand). VCF-style: chr2-151600558-C-A. GRCh37 (hg19) VCF-style: chr2-152457072-C-A.
Other names: c.13672G>T, p.Glu4558Ter (NM_001164507.2, NM_001271208.2); c.11601+9251G>T (NM_004543.5); short protein forms E4558*.
Identifiers: ClinVar variation 3075931 (VCV003075931.1), dbSNP rs2552219777, ClinGen allele CA348768502.